The following is an entry in ClinVar:

NM_002880.4(RAF1):c.1317G>C (p.Lys439Asn)

Gene: RAF1 (Raf-1 proto-oncogene, serine/threonine kinase; minus strand). Cytogenetic location: 3p25.2.
Variant type: single nucleotide variant.
Coding change: c.1317G>C on transcript NM_002880.4 (MANE Select); coding-DNA position 1317, G replaced by C.
Protein change: p.Lys439Asn; replaces lysine 439 with asparagine.
Molecular consequence: missense variant. On other transcripts: non-coding transcript variant (3).
Genome position (GRCh38, 1-based): chr3:12,590,851, C>G on the plus strand (G>C on the coding strand, the complement: RAF1 is on the minus strand). VCF-style: chr3-12590851-C-G. GRCh37 (hg19) VCF-style: chr3-12632350-C-G.
Other names: c.1377G>C, p.Lys459Asn (NM_001354689.3); c.1317G>C, p.Lys439Asn (NM_001354690.3); c.1074G>C, p.Lys358Asn (NM_001354691.3, NM_001354692.3); c.1218G>C, p.Lys406Asn (NM_001354693.3); c.1134G>C, p.Lys378Asn (NM_001354694.3); c.975G>C, p.Lys325Asn (NM_001354695.3); short protein forms K378N, K325N, K358N, K439N, K406N, K459N.
Identifiers: ClinVar variation 1966008 (VCV001966008.5), dbSNP rs1463012063, ClinGen allele CA351501894.

ClinVar aggregate classification (germline): Uncertain significance (1 of 4 stars; one submission).

Conditions:
RASopathy. Also called: Noonan spectrum disorder; rasopathies. Identifiers: Orphanet 536391, MedGen C5555857, MONDO:0021060.

gnomAD v4.1: 2 of 1,613,960 alleles (0.00012%); highest among the groups gnomAD compares: Non-Finnish European, 0.00017%; no homozygotes.

Submission:

Labcorp Genetics (formerly Invitae), Labcorp
Classification: Uncertain significance for RASopathy. Last evaluated: 2025-11-21. Review status: criteria provided, single submitter. Criteria: Invitae Variant Classification Sherloc (09022015). Collection method: clinical testing. Allele origin: germline.
Comment: This sequence change replaces lysine, which is basic and polar, with asparagine, which is neutral and polar, at codon 439 of the RAF1 protein (p.Lys439Asn). This variant is present in population databases (no rsID available, gnomAD 0.0009%). This variant has not been reported in the literature in individuals affected with RAF1-related conditions. ClinVar contains an entry for this variant (Variation ID: 1966008). Invitae Evidence Modeling incorporating data from in vitro experimental studies (internal data) did not meet the statistical confidence thresholds required to predict the impact of this variant on RAF1 function. In summary, the available evidence is currently insufficient to determine the role of this variant in disease. Therefore, it has been classified as a Variant of Uncertain Significance.